The following is an entry in ClinVar:

NM_174936.4(PCSK9):c.1739G>A (p.Arg580Lys)

Gene: PCSK9 (proprotein convertase subtilisin/kexin type 9; plus strand). Cytogenetic location: 1p32.3.
Variant type: single nucleotide variant.
Coding change: c.1739G>A on transcript NM_174936.4 (MANE Select); coding-DNA position 1739, G replaced by A.
Protein change: p.Arg580Lys; replaces arginine 580 with lysine.
Molecular consequence: missense variant.
Genome position (GRCh38, 1-based): chr1:55,061,432, G>A. VCF-style: chr1-55061432-G-A. GRCh37 (hg19) VCF-style: chr1-55527105-G-A.
Other names: c.1862G>A, p.Arg621Lys (NM_001407240.1); c.1781G>A, p.Arg594Lys (NM_001407241.1); c.1742G>A, p.Arg581Lys (NM_001407242.1); c.1682G>A, p.Arg561Lys (NM_001407243.1); c.1565G>A, p.Arg522Lys (NM_001407244.1); c.1547G>A, p.Arg516Lys (NM_001407245.1); c.1364G>A, p.Arg455Lys (NM_001407246.1); c.1238G>A, p.Arg413Lys (NM_001407247.1); short protein forms R580K, R413K, R516K, R594K, R621K, R455K, R561K, R581K.
Identifiers: ClinVar variation 924307 (VCV000924307.7), dbSNP rs776682841, ClinGen allele CA340480264.

ClinVar aggregate classification (germline): Uncertain significance. Review status: criteria provided, multiple submitters, no conflicts (2 of 4 stars). 2 submissions from 2 submitters: Uncertain significance (2). Last evaluated 2024-03-06.

Conditions:
Familial hypercholesterolemia. Also called: Familial hypercholesterolemias; Familial hypercholesterolaemia. Identifiers: MedGen C0020445, MONDO:0005439.
Hypercholesterolemia, autosomal dominant, 3 (FHCL3). Also called: Familial hypercholesterolemia 3; Familial Hypercholesterolemia, Autosomal Dominant, 3; PCSK9-Related Familial Hypercholesterolemia, Autosomal Dominant. Identifiers: MedGen C1863551, MONDO:0011369, OMIM 603776.

Submissions (2):

Color Diagnostics, LLC DBA Color Health
Classification: Uncertain significance for Familial hypercholesterolemia. Last evaluated: 2024-03-06. Review status: criteria provided, single submitter. Criteria: ACMG Guidelines, 2015. Collection method: clinical testing. Allele origin: germline.
Comment: This missense variant replaces arginine with lysine at codon 580 of the PCSK9 protein. Computational prediction tools indicate that this variant has a neutral impact on protein structure and function. To our knowledge, functional studies have not been reported for this variant. This variant has not been reported in individuals affected with PCSK9-related disorders in the literature. This variant has not been identified in the general population by the Genome Aggregation Database (gnomAD). The available evidence is insufficient to determine the role of this variant in disease conclusively. Therefore, this variant is classified as a Variant of Uncertain Significance.

All of Us Research Program, National Institutes of Health
Classification: Uncertain significance for Hypercholesterolemia, autosomal dominant, 3. Last evaluated: 2023-12-18. Review status: criteria provided, single submitter. Criteria: ACMG Guidelines, 2015. Collection method: clinical testing. Allele origin: germline. Inheritance: Autosomal dominant inheritance. Observed: 1 variant allele, 1 heterozygote.
Comment: Variant of Uncertain Significance due to insufficient evidence: This missense variant is located in the C-terminal CM2 domain of the PCSK9 protein. Computational prediction tools and conservation analyses suggest that this variant may not impact the protein function. Computational splicing tools suggest that this variant may not impact RNA splicing. To our knowledge, functional assays have not been performed for this variant nor has this variant been reported in individuals affected with familial hypercholesterolemia in the literature. This variant is rare in the general population and has been identified in 0/277264 chromosomes by the Genome Aggregation Database (gnomAD). Available evidence is insufficient to determine the pathogenicity of this variant conclusively.

This study involves interpretation of variants in research participants for the purpose of population health screening. Participant phenotype was not available at the time of variant classification. Additional details can be found in publication PMID: 35346344, PMCID: PMC8962531